The following is an entry in ClinVar:

NM_004186.5(SEMA3F):c.2335C>T (p.Arg779Trp)

Gene: SEMA3F (semaphorin 3F; plus strand). Cytogenetic location: 3p21.31.
Variant type: single nucleotide variant.
Coding change: c.2335C>T on transcript NM_004186.5 (MANE Select); coding-DNA position 2335, C replaced by T.
Protein change: p.Arg779Trp; replaces arginine 779 with tryptophan.
Molecular consequence: missense variant.
Genome position (GRCh38, 1-based): chr3:50,188,092, C>T. VCF-style: chr3-50188092-C-T. GRCh37 (hg19) VCF-style: chr3-50225525-C-T.
Other names: c.2038C>T, p.Arg680Trp (NM_001318798.2); c.2242C>T, p.Arg748Trp (NM_001318800.2); short protein forms R680W, R779W, R748W.
Identifiers: ClinVar variation 4989311 (VCV004989311.1).

ClinVar aggregate classification (germline): Uncertain significance (1 of 4 stars; one submission).

Conditions:
SEMA3F-related disorder. Also called: SEMA3F-related condition.

gnomAD v4.1: 11 of 1,541,400 alleles (0.00071%); highest among the groups gnomAD compares: Admixed American, 0.0038%; no homozygotes.

Submission:

PreventionGenetics, part of Exact Sciences
Classification: Uncertain significance for SEMA3F-related condition. Last evaluated: 2025-12-10. Review status: criteria provided, single submitter. Criteria: ACMG Guidelines, 2015. Collection method: clinical testing. Allele origin: germline.
Comment: The SEMA3F c.2335C>T variant is predicted to result in the amino acid substitution p.Arg779Trp. To our knowledge, this variant has not been reported in the literature. This variant is reported in 0.0035% of alleles in individuals of European (Non-Finnish) descent in gnomAD. At this time, the clinical significance of this variant is uncertain due to the absence of conclusive functional and genetic evidence.